The following is an entry in ClinVar:

NM_000535.7(PMS2):c.282G>A (p.Glu94=)

Gene: PMS2 (PMS1 homolog 2, mismatch repair system component; minus strand). Cytogenetic location: 7p22.1.
Variant type: single nucleotide variant.
Coding change: c.282G>A on transcript NM_000535.7 (MANE Select); coding-DNA position 282, G replaced by A.
Protein change: p.Glu94=; no amino-acid change (glutamic acid 94 retained).
Molecular consequence: synonymous variant. On other transcripts: 5 prime UTR variant (9), non-coding transcript variant (1), intron variant (2).
Genome position (GRCh38, 1-based): chr7:6,003,761, C>T on the plus strand (G>A on the coding strand, the complement: PMS2 is on the minus strand). VCF-style: chr7-6003761-C-T. GRCh37 (hg19) VCF-style: chr7-6043392-C-T.
Other names: c.-124G>A (NM_001322003.2, NM_001322004.2, NM_001322005.2 and 3 more transcripts); c.282G>A, p.Glu94= (NM_001322006.2, NM_001322014.2); c.-603G>A (NM_001322011.2, NM_001322012.2); c.-203G>A (NM_001322015.2); c.35+211G>A (NM_001322008.2, NM_001322007.2).
Identifiers: ClinVar variation 233652 (VCV000233652.16), dbSNP rs576942328, ClinGen allele CA10578721.

ClinVar aggregate classification (germline): Benign/Likely benign. Review status: criteria provided, multiple submitters, no conflicts (2 of 4 stars). 4 submissions from 4 submitters: Benign (1); Likely benign (3). Last evaluated 2026-01-19.

Conditions:
Hereditary cancer-predisposing syndrome. Also called: Neoplastic Syndromes, Hereditary; Tumor predisposition; Hereditary Cancer Syndrome; Hereditary neoplastic syndrome. Identifiers: Orphanet 140162, MedGen C0027672, MeSH D009386, MONDO:0015356.
Hereditary nonpolyposis colorectal neoplasms. Identifiers: MedGen C0009405, MeSH D003123.
Lynch syndrome 4 (LYNCH4). Also called: Colorectal cancer, hereditary nonpolyposis, type 4; Hereditary non-polyposis colorectal cancer, type 4. Identifiers: Orphanet 144, MedGen C1838333, MONDO:0013699, OMIM 614337. Disease mechanism: loss of function.

Allele frequency attached by ClinVar (database versions not stated): gnomAD exomes below 0.00001 and 0.00001; gnomAD 0.00001; 1000 Genomes Project 30x 0.00016; 1000 Genomes Project 0.00020.
gnomAD v4.1: 2 of 1,604,546 alleles (0.00012%); highest among the groups gnomAD compares: East Asian, 0.0045%; no homozygotes.

Submissions (4):

Labcorp Genetics (formerly Invitae), Labcorp
Classification: Likely benign for Hereditary nonpolyposis colorectal neoplasms. Last evaluated: 2026-01-19. Review status: criteria provided, single submitter. Criteria: Invitae Variant Classification Sherloc (09022015). Collection method: clinical testing. Allele origin: germline.

Myriad Genetics, Inc.
Classification: Benign for Lynch syndrome 4. Last evaluated: 2025-01-24. Review status: criteria provided, single submitter. Criteria: Myriad Autosomal Dominant, Autosomal Recessive and X-Linked Classification Criteria (2023). Collection method: clinical testing. Allele origin: unknown.
Comment: This variant is considered benign. This variant is a silent/synonymous amino acid change and it is not expected to impact splicing.

Quest Diagnostics Nichols Institute San Juan Capistrano
Classification: Likely benign. Last evaluated: 2018-04-16. Review status: criteria provided, single submitter. Criteria: Quest Diagnostics criteria. Collection method: clinical testing. Allele origin: germline.

Ambry Genetics
Classification: Likely benign for Hereditary cancer-predisposing syndrome. Last evaluated: 2015-08-27. Review status: criteria provided, single submitter. Criteria: Ambry Variant Classification Scheme 2023. Collection method: clinical testing. Allele origin: germline.